The following is an entry in ClinVar:

NM_017514.5(PLXNA3):c.3807G>A (p.Leu1269=)

Gene: PLXNA3 (plexin A3; plus strand). Cytogenetic location: Xq28.
Variant type: single nucleotide variant.
Coding change: c.3807G>A on transcript NM_017514.5 (MANE Select); coding-DNA position 3807, G replaced by A.
Protein change: p.Leu1269=; no amino-acid change (leucine 1269 retained).
Molecular consequence: synonymous variant.
Genome position (GRCh38, 1-based): chrX:154,467,988, G>A. VCF-style: chrX-154467988-G-A. GRCh37 (hg19) VCF-style: chrX-153696331-G-A.
Identifiers: ClinVar variation 3356327 (VCV003356327.1).
Genomic context (GRCh38, chrX:154,467,988, plus strand): 5'-GGACCGTACCCTCAAGCGTCTGCAGCTGCAGATGGACAACCTGGAGTCCCGTGTGGCCCT[G>A]GAGTGCAAGGAAGGTGCCTGAGGCGGGGCGGGATGTGGTGTGGAAGCTGGGGACCTCCCT-3'
Protein context (NP_059984.3, residues 1259-1279): QMDNLESRVA[Leu1269=]ECKEAFAELQ

ClinVar aggregate classification (germline): Likely benign (0 of 4 stars; one submission).

Conditions:
PLXNA3-related disorder. Also called: PLXNA3-related condition.

Submission:

PreventionGenetics, part of Exact Sciences
Classification: Likely benign for PLXNA3-related condition. Last evaluated: 2023-02-01. Review status: no assertion criteria provided. Collection method: clinical testing. Allele origin: germline.
Comment: This variant is classified as likely benign based on ACMG/AMP sequence variant interpretation guidelines (Richards et al. 2015 PMID: 25741868, with internal and published modifications).